The following is an entry in ClinVar:

ClinVar aggregate classification (germline): Uncertain significance (1 of 4 stars; one submission).

Conditions:
Alzheimer disease 9. Also called: ALZHEIMER DISEASE 9, LATE-ONSET; ALZHEIMER DISEASE 9, SUSCEPTIBILITY TO. Identifiers: MedGen C4282179, MONDO:0012153, OMIM 608907.

Allele frequency attached by ClinVar (database versions not stated): gnomAD exomes 0.00002; ExAC 0.00003; gnomAD 0.00003.
gnomAD v4.1: 41 of 1,611,538 alleles (0.0025%); highest among the groups gnomAD compares: South Asian, 0.041%; no homozygotes.

Submission:

Neuberg Centre For Genomic Medicine, NCGM
Classification: Uncertain significance for Alzheimer disease 9. Review status: criteria provided, single submitter. Criteria: ACMG Guidelines, 2015. Collection method: clinical testing. Allele origin: germline. Inheritance: Autosomal dominant inheritance. Affected: yes.
Comment: The missense variant in c.2974A>G(p.Ile992Val) in ABCA7 gene has not been reported previously as a pathogenic variant nor as a benign variant, to our knowledge. The p.Ile992Val variant is novel (not in any individuals) in 1000 Genomes and has allele frequency of 0.003% in gnomAD database. This variant has not been reported to the ClinVar database. The amino acid change p.Ile992Val in ABCA7 is predicted as conserved by GERP++ and PhyloP across 100 vertebrates. The amino acid Ile at position 992 is changed to a Val changing protein sequence and it might alter its composition and physico-chemical properties. For these reasons, this variant has been classified as Uncertain Significance (VUS).

NM_019112.4(ABCA7):c.2974A>G (p.Ile992Val)

Gene: ABCA7 (ATP binding cassette subfamily A member 7; plus strand). Cytogenetic location: 19p13.3.
Variant type: single nucleotide variant.
Coding change: c.2974A>G on transcript NM_019112.4 (MANE Select); coding-DNA position 2974, A replaced by G.
Protein change: p.Ile992Val; replaces isoleucine 992 with valine.
Molecular consequence: missense variant.
Genome position (GRCh38, 1-based): chr19:1,051,953, A>G. VCF-style: chr19-1051953-A-G. GRCh37 (hg19) VCF-style: chr19-1051952-A-G.
Other names: short protein forms I992V.
Identifiers: ClinVar variation 2585148 (VCV002585148.1), dbSNP rs574186698, ClinGen allele CA9033854.